The following is an entry in ClinVar:

NM_001943.5(DSG2):c.2444G>C (p.Ser815Thr)

Genes: DSG2 (desmoglein 2; plus strand), DSG2-AS1 (DSG2 antisense RNA 1; minus strand). Cytogenetic location: 18q12.1.
Variant type: single nucleotide variant.
Coding change: c.2444G>C on transcript NM_001943.5 (MANE Select); coding-DNA position 2444, G replaced by C.
Protein change: p.Ser815Thr; replaces serine 815 with threonine.
Molecular consequence: missense variant. On other transcripts: non-coding transcript variant (1).
Genome position (GRCh38, 1-based): chr18:31,545,830, G>C. VCF-style: chr18-31545830-G-C. GRCh37 (hg19) VCF-style: chr18-29125793-G-C.
Other names: short protein forms S815T.
Identifiers: ClinVar variation 3069550 (VCV003069550.2), dbSNP rs2144358945, ClinGen allele CA402144606.

ClinVar aggregate classification (germline): Uncertain significance. Review status: criteria provided, multiple submitters, no conflicts (2 of 4 stars). 2 submissions from 2 submitters: Uncertain significance (2). Last evaluated 2025-06-10.

Conditions:
Arrhythmogenic right ventricular cardiomyopathy (ARVD). Also called: Arrhythmogenic right ventricular dysplasia; Cardiomyopathy, ARVC; Arrhythmogenic cardiomyopathy; Arrhythmogenic Right Ventricular Cardiomyopathy (ARVC). Identifiers: Orphanet 247, MedGen C0349788, MeSH D019571, MONDO:0016587. Disease mechanism: loss of function. Inheritance: Various modes of inheritance.
Cardiovascular phenotype. Identifiers: MedGen CN230736.

gnomAD v4.1: 2 of 1,614,180 alleles (0.00012%); highest among the groups gnomAD compares: Non-Finnish European, 0.00017%; no homozygotes.

Submissions (2):

Ambry Genetics
Classification: Uncertain significance for Cardiovascular phenotype. Last evaluated: 2025-06-10. Review status: criteria provided, single submitter. Criteria: Ambry Variant Classification Scheme 2023. Collection method: clinical testing. Allele origin: germline.

All of Us Research Program, National Institutes of Health
Classification: Uncertain significance for Arrhythmogenic right ventricular cardiomyopathy. Last evaluated: 2023-02-24. Review status: criteria provided, single submitter. Criteria: ACMG Guidelines, 2015. Collection method: clinical testing. Allele origin: germline. Inheritance: Autosomal dominant inheritance. Observed: 1 variant allele, 1 heterozygote.
Comment: This missense variant replaces serine with threonine at codon 815 of the DSG2 protein. Computational prediction suggests that this variant may not impact protein structure and function (internally defined REVEL score threshold <= 0.5, PMID: 27666373). To our knowledge, functional studies have not been reported for this variant. This variant has not been reported in individuals affected with cardiovascular disorders in the literature. This variant has not been identified in the general population by the Genome Aggregation Database (gnomAD). The available evidence is insufficient to determine the role of this variant in disease conclusively. Therefore, this variant is classified as a Variant of Uncertain Significance.

This study involves interpretation of variants in research participants for the purpose of population health screening. Participant phenotype was not available at the time of variant classification. Additional details can be found in publication PMID: 35346344, PMCID: PMC8962531